The following is an entry in ClinVar:

ClinVar aggregate classification (germline): Uncertain significance (1 of 4 stars; one submission).

Conditions:
Cardiovascular phenotype. Identifiers: MedGen CN230736.

Submission:

Ambry Genetics
Classification: Uncertain significance for Cardiovascular phenotype. Last evaluated: 2022-11-21. Review status: criteria provided, single submitter. Criteria: Ambry Variant Classification Scheme 2023. Collection method: clinical testing. Allele origin: germline.
Comment: The p.R100P variant (also known as c.299G>C), located in coding exon 2 of the KCNH2 gene, results from a G to C substitution at nucleotide position 299. The arginine at codon 100 is replaced by proline, an amino acid with dissimilar properties. This amino acid position is well conserved in available vertebrate species. In addition, this alteration is predicted to be deleterious by in silico analysis. Since supporting evidence is limited at this time, the clinical significance of this alteration remains unclear.

NM_000238.4(KCNH2):c.299G>C (p.Arg100Pro)

Gene: KCNH2 (potassium voltage-gated channel subfamily H member 2; minus strand). Cytogenetic location: 7q36.1.
Variant type: single nucleotide variant.
Coding change: c.299G>C on transcript NM_000238.4 (MANE Select); coding-DNA position 299, G replaced by C.
Protein change: p.Arg100Pro; replaces arginine 100 with proline.
Molecular consequence: missense variant. On other transcripts: non-coding transcript variant (1).
Genome position (GRCh38, 1-based): chr7:150,974,719, C>G on the plus strand (G>C on the coding strand, the complement: KCNH2 is on the minus strand). VCF-style: chr7-150974719-C-G. GRCh37 (hg19) VCF-style: chr7-150671807-C-G.
Other names: c.122G>C, p.Arg41Pro (NM_001406755.1); c.299G>C, p.Arg100Pro (NM_172056.3); short protein forms R41P, R100P.
Identifiers: ClinVar variation 2452990 (VCV002452990.2), dbSNP rs199472855, ClinGen allele CA369865293.
Genomic context (GRCh38, chr7:150,974,719, plus strand): 5'-CGCCCCTCTTGACCCCGCCCCTGGTCGTGGCCCCGCCCCGGCCCGCTCCTACCATCTTTC[C>G]GGTAGAAGGCGATTTCCACTTTGCGCTCCTCGGCGCCCAGCAGTGCCTGCGCGATCTGCG-3'
Protein context (NP_000229.1, residues 90-110): EERKVEIAFY[Arg100Pro]KDGSCFLCLV